The following is an entry in ClinVar:

NC_000001.11:g.224454289T>C

Genes: CNIH3 (cornichon family AMPA receptor auxiliary protein 3; plus strand), WDR26 (WD repeat domain 26; minus strand). Cytogenetic location: 1q42.12.
Variant type: single nucleotide variant.
Molecular consequence: intron variant (on NM_001322304.2). On other transcripts: synonymous variant (1), non-coding transcript variant (2).
Genome position: GRCh38 VCF-style: chr1-224454289-T-C. GRCh37 (hg19) VCF-style: chr1-224641991-T-C.
Other names: c.-118+19102T>C (NM_001322304.2); c.99+19102T>C (NM_001322303.2); c.111T>C, p.Ser37= (NM_001322302.2).
Identifiers: ClinVar variation 2639938 (VCV002639938.22), dbSNP rs112874756, ClinGen allele CA38763125.

ClinVar aggregate classification (germline): Benign (1 of 4 stars; one submission).

Allele frequency attached by ClinVar (database versions not stated): gnomAD 0.00045; gnomAD exomes 0.00106; 1000 Genomes Project 0.00040; 1000 Genomes Project 30x 0.00031.
gnomAD v4.1: 910 of 951,914 alleles (0.096%); highest among the groups gnomAD compares: Non-Finnish European, 0.11%; 1 homozygote.

Submission:

CeGaT Center for Human Genetics Tuebingen
Classification: Benign. Last evaluated: 2022-08-01. Review status: criteria provided, single submitter. Criteria: CeGaT Center For Human Genetics Tuebingen Variant Classification Criteria Version 2. Collection method: clinical testing. Allele origin: germline. Affected: yes. Observed: 3 variant alleles.
Comment: WDR26: BS1, BS2